The following is an entry in ClinVar:

NM_133433.4(NIPBL):c.3758_3759del (p.Ile1253fs)

Gene: NIPBL (NIPBL cohesin loading factor; plus strand). Cytogenetic location: 5p13.2.
Variant type: Microsatellite.
Coding change: c.3758_3759del on transcript NM_133433.4 (MANE Select); coding-DNA positions 3758 to 3759, 2 bases deleted (TA; older notation c.3758_3759delTA).
Protein change: p.Ile1253fs; shifts the reading frame from isoleucine 1253.
Molecular consequence: frameshift variant.
Genome position (GRCh38, 1-based): chr5:37,002,755-37,002,756, TA deleted; deleting any 2 consecutive bases within chr5:37,002,753-37,002,756 gives the same sequence; the c. name uses the placement nearest the transcript's 3' end. VCF-style (leftmost placement, unchanged base first): chr5-37002752-GTA-G. GRCh37 (hg19) VCF-style: chr5-37002854-GTA-G.
Other names: c.3758_3759del, p.Ile1253fs (NM_015384.5); short protein forms I1253fs.
Identifiers: ClinVar variation 957822 (VCV000957822.7), dbSNP rs1746965734, ClinGen allele CA1539603207.

ClinVar aggregate classification (germline): Pathogenic (1 of 4 stars; one submission).

Conditions:
Cornelia de Lange syndrome 1 (CDLS1). Also called: Brachmann de Lange syndrome; NIPBL-Related Cornelia de Lange Syndrome; TYPUS DEGENERATIVUS AMSTELODAMENSIS. Identifiers: Orphanet 199, MedGen C4551851, MONDO:0007387, OMIM 122470.

Submission:

Labcorp Genetics (formerly Invitae), Labcorp
Classification: Pathogenic for Cornelia de Lange syndrome 1. Last evaluated: 2019-08-18. Review status: criteria provided, single submitter. Criteria: Invitae Variant Classification Sherloc (09022015). Collection method: clinical testing. Allele origin: germline.
Comment: This sequence change creates a premature translational stop signal (p.Ile1253Asnfs*3) in the NIPBL gene. It is expected to result in an absent or disrupted protein product. This variant is not present in population databases (ExAC no frequency). This variant has not been reported in the literature in individuals with NIPBL-related conditions. Algorithms developed to predict the effect of sequence changes on RNA splicing suggest that this variant may create or strengthen a splice site, but this prediction has not been confirmed by published transcriptional studies. For these reasons, this variant has been classified as Pathogenic. Loss-of-function variants in NIPBL are known to be pathogenic (PMID: 15318302, 19763162, 23505322, 29995837).

Literature cited by the submitters: PubMed 15318302; PubMed 19763162; PubMed 23505322; PubMed 29995837.